The following is an entry in ClinVar:

ClinVar aggregate classification (germline): Uncertain significance (1 of 4 stars; one submission).

gnomAD v4.1: 2 of 1,614,126 alleles (0.00012%); highest among the groups gnomAD compares: South Asian, 0.0022%; no homozygotes.

Submission:

Ambry Genetics
Classification: Uncertain significance. Last evaluated: 2025-09-21. Review status: criteria provided, single submitter. Criteria: Ambry Variant Classification Scheme 2023. Collection method: clinical testing. Allele origin: germline.
Comment: The p.M765V variant (also known as c.2293A>G), located in coding exon 22 of the KIF1B gene, results from an A to G substitution at nucleotide position 2293. The methionine at codon 765 is replaced by valine, an amino acid with highly similar properties. This amino acid position is conserved. In addition, this alteration is predicted to be tolerated by in silico analysis. Based on the available evidence, the clinical significance of this variant remains unclear.

NM_001365951.3(KIF1B):c.2431A>G (p.Met811Val)

Gene: KIF1B (kinesin family member 1B; plus strand). Cytogenetic location: 1p36.22.
Variant type: single nucleotide variant.
Coding change: c.2431A>G on transcript NM_001365951.3 (MANE Select); coding-DNA position 2431, A replaced by G.
Protein change: p.Met811Val; replaces methionine 811 with valine.
Molecular consequence: missense variant.
Genome position (GRCh38, 1-based): chr1:10,323,956, A>G. VCF-style: chr1-10323956-A-G. GRCh37 (hg19) VCF-style: chr1-10384014-A-G.
Other names: c.2431A>G, p.Met811Val (NM_001365952.1); c.2293A>G, p.Met765Val (NM_015074.3); short protein forms M765V, M811V.
Identifiers: ClinVar variation 4543625 (VCV004543625.1).